The following is an entry in ClinVar:

NM_014045.5(LRP10):c.142C>T (p.Arg48Trp)

Gene: LRP10 (LDL receptor related protein 10; plus strand). Cytogenetic location: 14q11.2.
Variant type: single nucleotide variant.
Coding change: c.142C>T on transcript NM_014045.5 (MANE Select); coding-DNA position 142, C replaced by T.
Protein change: p.Arg48Trp; replaces arginine 48 with tryptophan.
Molecular consequence: missense variant.
Genome position (GRCh38, 1-based): chr14:22,873,373, C>T. VCF-style: chr14-22873373-C-T. GRCh37 (hg19) VCF-style: chr14-23342582-C-T.
Other names: p.Arg48Trp; c.142C>T, p.Arg48Trp (NM_001329226.2); c.142C>T (NM_014045.4); short protein forms R48W.
Identifiers: ClinVar variation 2644077 (VCV002644077.26), dbSNP rs2273837, ClinGen allele CA7105643.

ClinVar aggregate classification (germline): Benign. Review status: criteria provided, multiple submitters, no conflicts (2 of 4 stars). 3 submissions from 3 submitters: Benign (2). 1 of the submissions does not count toward it. Last evaluated 2024-10-14.

Conditions:
LRP10-related disorder. Also called: LRP10-related condition.

Allele frequency attached by ClinVar (database versions not stated): ESP Exome Variant Server 0.00008; gnomAD 0.00057; TOPMed 0.00077; ExAC 0.00122; 1000 Genomes Project 30x 0.00265; 1000 Genomes Project 0.00319.

Submissions (3):

Mayo Clinic Laboratories, Mayo Clinic
Classification: Benign. Last evaluated: 2024-10-14. Review status: criteria provided, single submitter. Criteria: ACMG Guidelines, 2015. Collection method: clinical testing. Allele origin: germline. Observed: 1 variant allele.
Comment: BS1, BS2, BP4

CeGaT Center for Human Genetics Tuebingen
Classification: Benign. Last evaluated: 2023-02-01. Review status: criteria provided, single submitter. Criteria: CeGaT Center For Human Genetics Tuebingen Variant Classification Criteria Version 2. Collection method: clinical testing. Allele origin: germline. Affected: yes. Observed: 1 variant allele.
Comment: LRP10: BP4, BS1, BS2

PreventionGenetics, part of Exact Sciences
Classification: Benign for LRP10-related condition. Last evaluated: 2024-01-02. Review status: no assertion criteria provided. Collection method: clinical testing. Allele origin: germline. Not counted in ClinVar's aggregate classification.
Comment: This variant is classified as benign based on ACMG/AMP sequence variant interpretation guidelines (Richards et al. 2015 PMID: 25741868, with internal and published modifications).

Literature cited by the submitters: PubMed 31582232 (cited by Mayo Clinic Laboratories, Mayo Clinic).